The following is an entry in ClinVar:

NM_001130438.3(SPTAN1):c.1180G>T (p.Ala394Ser)

Gene: SPTAN1 (spectrin alpha, non-erythrocytic 1; plus strand). Cytogenetic location: 9q34.11.
Variant type: single nucleotide variant.
Coding change: c.1180G>T on transcript NM_001130438.3 (MANE Select); coding-DNA position 1180, G replaced by T.
Protein change: p.Ala394Ser; replaces alanine 394 with serine.
Molecular consequence: missense variant.
Genome position (GRCh38, 1-based): chr9:128,578,204, G>T. VCF-style: chr9-128578204-G-T. GRCh37 (hg19) VCF-style: chr9-131340483-G-T.
Other names: c.1180G>T, p.Ala394Ser (NM_001375314.2, NM_003127.4, NM_001195532.2 and 5 more transcripts); c.1216G>T, p.Ala406Ser (NM_001375318.1, NM_001375312.2); short protein forms A394S, A406S.
Identifiers: ClinVar variation 2732005 (VCV002732005.3), dbSNP rs2541068468, ClinGen allele CA375051886.

ClinVar aggregate classification (germline): Uncertain significance (1 of 4 stars; one submission).

Conditions:
Early-infantile DEE. Also called: Early infantile epileptic encephalopathy; Early infantile epileptic encephalopathy with suppression bursts; Ohtahara syndrome. Identifiers: Orphanet 1934, MedGen C0393706, MONDO:0800491.

Submission:

Labcorp Genetics (formerly Invitae), Labcorp
Classification: Uncertain significance for Early-infantile DEE. Last evaluated: 2023-06-28. Review status: criteria provided, single submitter. Criteria: Invitae Variant Classification Sherloc (09022015). Collection method: clinical testing. Allele origin: germline.
Comment: This variant has not been reported in the literature in individuals affected with SPTAN1-related conditions. In summary, the available evidence is currently insufficient to determine the role of this variant in disease. Therefore, it has been classified as a Variant of Uncertain Significance. Advanced modeling of protein sequence and biophysical properties (such as structural, functional, and spatial information, amino acid conservation, physicochemical variation, residue mobility, and thermodynamic stability) has been performed at Invitae for this missense variant, however the output from this modeling did not meet the statistical confidence thresholds required to predict the impact of this variant on SPTAN1 protein function. This variant is not present in population databases (gnomAD no frequency). This sequence change replaces alanine, which is neutral and non-polar, with serine, which is neutral and polar, at codon 394 of the SPTAN1 protein (p.Ala394Ser).